The following is an entry in ClinVar:

NM_000090.4(COL3A1):c.448-17T>C

Gene: COL3A1 (collagen type III alpha 1 chain; plus strand). Cytogenetic location: 2q32.2.
Variant type: single nucleotide variant.
Coding change: c.448-17T>C on transcript NM_000090.4 (MANE Select); 17 bases into the intron before coding-DNA position 448, T replaced by C.
Molecular consequence: intron variant.
Genome position (GRCh38, 1-based): chr2:188,987,042, T>C. VCF-style: chr2-188987042-T-C. GRCh37 (hg19) VCF-style: chr2-189851768-T-C.
Identifiers: ClinVar variation 1913161 (VCV001913161.6), dbSNP rs1405440757, ClinGen allele CA538440958.

ClinVar aggregate classification (germline): Likely benign. Review status: criteria provided, multiple submitters, no conflicts (2 of 4 stars). 2 submissions from 2 submitters: Likely benign (2). Last evaluated 2026-01-06.

Conditions:
Ehlers-Danlos syndrome, type 4 (EDSVASC). Also called: Ehlers-Danlos syndrome vascular type; Ehlers Danlos syndrome, ecchymotic type; Ehlers Danlos syndrome, arterial type; Ehlers Danlos syndrome, Sack-Barabas type; Ehlers-Danlos Syndrome Type IV. Identifiers: Orphanet 286, MedGen C0268338, MONDO:0017314, OMIM 130050.

Allele frequency attached by ClinVar (database versions not stated): gnomAD exomes below 0.00001.
gnomAD v4.1: 1 of 1,601,540 alleles (0.000062%); highest among the groups gnomAD compares: Admixed American, 0.0017%; no homozygotes.

Submissions (2):

Women's Health and Genetics/Laboratory Corporation of America, LabCorp
Classification: Likely benign. Last evaluated: 2026-01-06. Review status: criteria provided, single submitter. Criteria: LabCorp Variant Classification Summary - May 2015. Collection method: clinical testing. Allele origin: germline.
Comment: Variant summary: COL3A1 c.448-17T>C alters a nucleotide located at a position not widely known to affect splicing. Consensus agreement among computation tools predict no significant impact on normal splicing. However, these predictions have yet to be confirmed by functional studies. The variant allele was found at a frequency of 4e-06 in 250812 control chromosomes. The available data on variant occurrences in the general population are insufficient to allow any conclusion about variant significance. To our knowledge, no occurrence of c.448-17T>C in individuals affected with COL3A1-related conditions and no experimental evidence demonstrating its impact on protein function have been reported. ClinVar contains an entry for this variant (Variation ID: 1913161). Based on the evidence outlined above, the variant was classified as likely benign.

Labcorp Genetics (formerly Invitae), Labcorp
Classification: Likely benign for Ehlers-Danlos syndrome, type 4. Last evaluated: 2023-12-23. Review status: criteria provided, single submitter. Criteria: Invitae Variant Classification Sherloc (09022015). Collection method: clinical testing. Allele origin: germline.